The following is an entry in ClinVar:

NM_015662.3(IFT172):c.4788C>T (p.Phe1596=)

Genes: IFT172 (intraflagellar transport 172; minus strand), KRTCAP3 (keratinocyte associated protein 3; plus strand). Cytogenetic location: 2p23.3.
Variant type: single nucleotide variant.
Coding change: c.4788C>T on transcript NM_015662.3 (MANE Select); coding-DNA position 4788, C replaced by T.
Protein change: p.Phe1596=; no amino-acid change (phenylalanine 1596 retained).
Molecular consequence: synonymous variant. On other transcripts: intron variant (1).
Genome position (GRCh38, 1-based): chr2:27,445,956, G>A on the plus strand (C>T on the coding strand, the complement: IFT172 is on the minus strand). VCF-style: chr2-27445956-G-A. GRCh37 (hg19) VCF-style: chr2-27668823-G-A.
Other names: c.4722C>T, p.Phe1574= (NM_001410739.1); c.*6-345G>A (NM_001168364.2).
Identifiers: ClinVar variation 3351711 (VCV003351711.1).
Genomic context (GRCh38, chr2:27,445,956, plus strand): 5'-CCTCCACCCTCGGGGCACAGCTTCCCTACTCACATCGGTCAGGTCCAAAAAGCGATTGAG[G>A]AAGATGAATGCCATGTTATCCCAGCCAACTGCCTGCAGCAAAGAAGAGTTGCAAATGGGA-3'
Protein context (NP_056477.1, residues 1586-1606): AVGWDNMAFI[Phe1596=]LNRFLDLTDA

ClinVar aggregate classification (germline): Likely benign (0 of 4 stars; one submission).

Conditions:
IFT172-related disorder. Also called: IFT172-related condition; IFT172-related disorders.

gnomAD v4.1: 4 of 1,614,104 alleles (0.00025%); highest among the groups gnomAD compares: African/African-American, 0.0027%; no homozygotes.

Submission:

PreventionGenetics, part of Exact Sciences
Classification: Likely benign for IFT172-related condition. Last evaluated: 2020-08-03. Review status: no assertion criteria provided. Collection method: clinical testing. Allele origin: germline.
Comment: This variant is classified as likely benign based on ACMG/AMP sequence variant interpretation guidelines (Richards et al. 2015 PMID: 25741868, with internal and published modifications).